The following is an entry in ClinVar:

NM_030665.4(RAI1):c.365G>T (p.Gly122Val)

Gene: RAI1 (retinoic acid induced 1; plus strand). Cytogenetic location: 17p11.2.
Variant type: single nucleotide variant.
Coding change: c.365G>T on transcript NM_030665.4 (MANE Select); coding-DNA position 365, G replaced by T.
Protein change: p.Gly122Val; replaces glycine 122 with valine.
Molecular consequence: missense variant.
Genome position (GRCh38, 1-based): chr17:17,793,313, G>T. VCF-style: chr17-17793313-G-T. GRCh37 (hg19) VCF-style: chr17-17696627-G-T.
Other names: short protein forms G122V.
Identifiers: ClinVar variation 4999343 (VCV004999343.1).

ClinVar aggregate classification (germline): Uncertain significance (1 of 4 stars; one submission).

Conditions:
RAI1-related disorder. Also called: RAI1-related condition.

gnomAD v4.1: 1 of 1,612,460 alleles (0.000062%); highest among the groups gnomAD compares: Non-Finnish European, 0.000085%; no homozygotes.

Submission:

PreventionGenetics, part of Exact Sciences
Classification: Uncertain significance for RAI1-related condition. Last evaluated: 2024-10-16. Review status: criteria provided, single submitter. Criteria: ACMG Guidelines, 2015. Collection method: clinical testing. Allele origin: germline.
Comment: The RAI1 c.365G>T variant is predicted to result in the amino acid substitution p.Gly122Val. To our knowledge, this variant has not been reported in the literature or in a large population database (gnomAD), indicating this variant is rare. At this time, the clinical significance of this variant is uncertain due to the absence of conclusive functional and genetic evidence.